The following is an entry in ClinVar:

NM_006206.6(PDGFRA):c.2547T>C (p.Tyr849=)

Gene: PDGFRA (platelet derived growth factor receptor alpha; plus strand). Cytogenetic location: 4q12.
Variant type: single nucleotide variant.
Coding change: c.2547T>C on transcript NM_006206.6 (MANE Select); coding-DNA position 2547, T replaced by C.
Protein change: p.Tyr849=; no amino-acid change (tyrosine 849 retained).
Molecular consequence: synonymous variant.
Genome position (GRCh38, 1-based): chr4:54,285,948, T>C. VCF-style: chr4-54285948-T-C. GRCh37 (hg19) VCF-style: chr4-55152115-T-C.
Other names: c.2622T>C, p.Tyr874= (NM_001347828.2); c.2547T>C, p.Tyr849= (NM_001347829.2); c.2586T>C, p.Tyr862= (NM_001347830.2).
Identifiers: ClinVar variation 704539 (VCV000704539.14), dbSNP rs780967767, ClinGen allele CA2922886.

ClinVar aggregate classification (germline): Benign/Likely benign. Review status: criteria provided, multiple submitters, no conflicts (2 of 4 stars). 3 submissions from 3 submitters: Benign (1); Likely benign (2). Last evaluated 2026-06-17.

Conditions:
Polyps, multiple and recurrent inflammatory fibroid, gastrointestinal. Identifiers: MedGen C5193005, MONDO:0008285, OMIM 175510.
Gastrointestinal stromal tumor. Also called: Gastrointestinal stromal tumor, somatic; Gastrointestinal stroma tumor. Identifiers: Orphanet 44890, MedGen C0238198, MeSH D046152, MONDO:0011719, OMIM 606764, HP:0100723.
Hereditary cancer-predisposing syndrome. Also called: Neoplastic Syndromes, Hereditary; Hereditary Cancer Syndrome; Hereditary neoplastic syndrome; Tumor predisposition. Identifiers: Orphanet 140162, MedGen C0027672, MeSH D009386, MONDO:0015356.

Allele frequency attached by ClinVar (database versions not stated): gnomAD exomes below 0.00001; ExAC 0.00001.
gnomAD v4.1: 1 of 1,614,158 alleles (0.000062%); highest among the groups gnomAD compares: Middle Eastern, 0.016%; no homozygotes.

Submissions (3):

Myriad Genetics, Inc.
Classification: Benign for Polyps, multiple and recurrent inflammatory fibroid, gastrointestinal. Last evaluated: 2026-06-17. Review status: criteria provided, single submitter. Criteria: Myriad Autosomal Dominant, Autosomal Recessive and X-Linked Classification Criteria (2023). Collection method: clinical testing. Allele origin: unknown.
Comment: This variant is considered benign. This variant is a silent/synonymous amino acid change and it is not expected to impact splicing.

Labcorp Genetics (formerly Invitae), Labcorp
Classification: Likely benign for Gastrointestinal stromal tumor. Last evaluated: 2025-11-04. Review status: criteria provided, single submitter. Criteria: Invitae Variant Classification Sherloc (09022015). Collection method: clinical testing. Allele origin: germline.

Ambry Genetics
Classification: Likely benign for Hereditary cancer-predisposing syndrome. Last evaluated: 2022-06-24. Review status: criteria provided, single submitter. Criteria: Ambry Variant Classification Scheme 2023. Collection method: clinical testing. Allele origin: germline.